The following is an entry in ClinVar:

NM_198994.3(TGM6):c.1150C>T (p.Leu384=)

Gene: TGM6 (transglutaminase 6; plus strand). Cytogenetic location: 20p13.
Variant type: single nucleotide variant.
Coding change: c.1150C>T on transcript NM_198994.3 (MANE Select); coding-DNA position 1150, C replaced by T.
Protein change: p.Leu384=; no amino-acid change (leucine 384 retained).
Molecular consequence: synonymous variant.
Genome position (GRCh38, 1-based): chr20:2,403,637, C>T. VCF-style: chr20-2403637-C-T. GRCh37 (hg19) VCF-style: chr20-2384283-C-T.
Other names: c.1150C>T, p.Leu384= (NM_001254734.2).
Identifiers: ClinVar variation 2684078 (VCV002684078.1), dbSNP rs2514377866, ClinGen allele CA509547397.
Genomic context (GRCh38, chr20:2,403,637, plus strand): 5'-CCAGGTGTGTTCCGGTGCGGCCCAGCCTCAGTCACCGCCATCCGCGAGGGTGATGTGCAC[C>T]TGGCTCACGATGGCCCCTTCGTGTTTGCGGAGGTCAACGCCGACTACATCACCTGGCTGT-3'
Protein context (NP_945345.2, residues 374-394): VTAIREGDVH[Leu384=]AHDGPFVFAE

ClinVar aggregate classification (germline): Uncertain significance (1 of 4 stars; one submission).

Submission:

Athena Diagnostics
Classification: Uncertain significance. Last evaluated: 2022-10-05. Review status: criteria provided, single submitter. Criteria: Athena Diagnostics Criteria. Collection method: clinical testing. Allele origin: unknown.
Comment: Available data are insufficient to determine the clinical significance of the variant at this time. This variant has not been reported in large, multi-ethnic general populations. Computational tools yielded predictions that this variant is unlikely to have an effect on normal RNA splicing.